The following is an entry in ClinVar:

ClinVar aggregate classification (germline): Uncertain significance. Review status: criteria provided, multiple submitters, no conflicts (2 of 4 stars). 5 submissions from 5 submitters: Uncertain significance (5). Last evaluated 2024-05-14.

Conditions:
Inborn genetic diseases. Identifiers: MedGen C0950123, MeSH D030342.
Congenital stationary night blindness 1C. Also called: Night blindness, congenital stationary (complete), 1C, autosomal recessive. Identifiers: Orphanet 215, MedGen C2750747, MONDO:0013183, OMIM 613216.

Allele frequency attached by ClinVar (database versions not stated): TOPMed below 0.00001; ExAC 0.00001; gnomAD exomes 0.00001 and 0.00002.
gnomAD v4.1: 33 of 1,612,332 alleles (0.002%); highest among the groups gnomAD compares: Middle Eastern, 0.18%; no homozygotes.

Submissions (5):

Blueprint Genetics
Classification: Uncertain significance. Last evaluated: 2024-05-14. Review status: criteria provided, single submitter. Criteria: ACMG Guidelines, 2015. Collection method: clinical testing. Allele origin: germline.

Ambry Genetics
Classification: Uncertain significance for Inborn genetic diseases. Last evaluated: 2024-05-08. Review status: criteria provided, single submitter. Criteria: Ambry Variant Classification Scheme 2023. Collection method: clinical testing. Allele origin: germline.

Labcorp Genetics (formerly Invitae), Labcorp
Classification: Uncertain significance. Last evaluated: 2022-05-17. Review status: criteria provided, single submitter. Criteria: Invitae Variant Classification Sherloc (09022015). Collection method: clinical testing. Allele origin: germline.
Comment: In summary, the available evidence is currently insufficient to determine the role of this variant in disease. Therefore, it has been classified as a Variant of Uncertain Significance. Algorithms developed to predict the effect of missense changes on protein structure and function are either unavailable or do not agree on the potential impact of this missense change (SIFT: "Deleterious"; PolyPhen-2: "Possibly Damaging"; Align-GVGD: "Class C0"). ClinVar contains an entry for this variant (Variation ID: 886328). This variant has not been reported in the literature in individuals affected with TRPM1-related conditions. This variant is present in population databases (rs776483887, gnomAD 0.003%). This sequence change replaces histidine, which is basic and polar, with arginine, which is basic and polar, at codon 1156 of the TRPM1 protein (p.His1156Arg).

Illumina Laboratory Services, Illumina
Classification: Uncertain significance for Congenital stationary night blindness 1C. Last evaluated: 2018-01-13. Review status: criteria provided, single submitter. Criteria: ICSL Variant Classification Criteria 13 December 2019. Collection method: clinical testing. Allele origin: germline.

Neuberg Centre For Genomic Medicine, NCGM
Classification: Uncertain significance for Congenital stationary night blindness 1C. Review status: criteria provided, single submitter. Criteria: ACMG Guidelines, 2015. Collection method: clinical testing. Allele origin: germline. Affected: yes.
Comment: The missense variant p.H1156R in TRPM1 (NM_002420.6) has not been reported previously as a pathogenic variant nor as a benign variant, to our knowledge. It has been submitted to ClinVar as VUS. The p.H1156R variant is observed in 1/30,594 (0.0033%) alleles from individuals of South Asian background in gnomAD Exomes and is novel (not in any individuals) in 1000 Genomes. There is a small physicochemical difference between histidine and arginine, which is not likely to impact secondary protein structure as these residues share similar properties. The p.H1156R missense variant is predicted to be damaging by both SIFT and PolyPhen2. The nucleotide c.3467 in TRPM1 is predicted conserved by GERP++ and PhyloP across 100 vertebrates. For these reasons, this variant has been classified as Uncertain Significance.

NM_001252024.2(TRPM1):c.3533A>G (p.His1178Arg)

Genes: TRPM1 (transient receptor potential cation channel subfamily M member 1; minus strand), TRPM1-AS1 (TRPM1 antisense RNA 1; plus strand), LOC126862088 (BRD4-independent group 4 enhancer GRCh37_chr15:31318084-31319283; plus strand). Cytogenetic location: 15q13.3.
Variant type: single nucleotide variant.
Coding change: c.3533A>G on transcript NM_001252024.2 (MANE Select); coding-DNA position 3533, A replaced by G.
Protein change: p.His1178Arg; replaces histidine 1178 with arginine.
Molecular consequence: missense variant.
Genome position (GRCh38, 1-based): chr15:31,026,235, T>C on the plus strand (A>G on the coding strand, the complement: TRPM1 is on the minus strand). VCF-style: chr15-31026235-T-C. GRCh37 (hg19) VCF-style: chr15-31318438-T-C.
Other names: c.3584A>G, p.His1195Arg (NM_001252020.2); c.3467A>G, p.His1156Arg (NM_002420.6); c.3467A>G (NM_002420.4); short protein forms H1156R, H1178R, H1195R.
Identifiers: ClinVar variation 886328 (VCV000886328.12), dbSNP rs776483887, ClinGen allele CA7451851.